The following is an entry in ClinVar:

NM_018359.5(UFSP2):c.743C>T (p.Ala248Val)

Genes: CFAP96 (cilia and flagella associated protein 96; plus strand), UFSP2 (UFM1 specific peptidase 2; minus strand). Cytogenetic location: 4q35.1.
Variant type: single nucleotide variant.
Coding change: c.743C>T on transcript NM_018359.5 (MANE Select); coding-DNA position 743, C replaced by T.
Protein change: p.Ala248Val; replaces alanine 248 with valine.
Molecular consequence: missense variant. On other transcripts: non-coding transcript variant (2).
Genome position (GRCh38, 1-based): chr4:185,413,814, G>A on the plus strand (C>T on the coding strand, the complement: UFSP2 is on the minus strand). VCF-style: chr4-185413814-G-A. GRCh37 (hg19) VCF-style: chr4-186334968-G-A.
Other names: short protein forms A248V.
Identifiers: ClinVar variation 5017884 (VCV005017884.1).
Genomic context (GRCh38, chr4:185,413,814, plus strand): 5'-AGGTAAGTATGTGGATTTCTAATGTAACCATCTTTGTATGGCTCATCTGGAAAGTGATAA[G>A]CATTAGACCTTTTGAAATAGGGTCTGTCGTGAGGCAGATTGAAAAGATCATGTAACTCCT-3'
Protein context (NP_060829.2, residues 238-258): HDRPYFKRSN[Ala248Val]YHFPDEPYKD

ClinVar aggregate classification (germline): Uncertain significance (1 of 4 stars; one submission).

gnomAD v4.1: 1 of 1,613,276 alleles (0.000062%); highest among the groups gnomAD compares: Non-Finnish European, 0.000085%; no homozygotes.

Submission:

GeneDx
Classification: Uncertain significance. Last evaluated: 2026-03-30. Review status: criteria provided, single submitter. Criteria: GeneDx Variant Classification Process June 2021. Collection method: clinical testing. Allele origin: germline.
Comment: Not observed at significant frequency in large population cohorts (gnomAD); In silico analysis supports that this missense variant has a deleterious effect on protein structure/function; Has not been previously published as pathogenic or benign to our knowledge; In silico analysis suggests this variant may impact gene splicing. In the absence of RNA/functional studies, the actual effect of this sequence change is unknown